The following is an entry in ClinVar:

NM_000717.5(CA4):c.34G>A (p.Ala12Thr)

Gene: CA4 (carbonic anhydrase 4; plus strand). Cytogenetic location: 17q23.1.
Variant type: single nucleotide variant.
Coding change: c.34G>A on transcript NM_000717.5 (MANE Select); coding-DNA position 34, G replaced by A.
Protein change: p.Ala12Thr; replaces alanine 12 with threonine.
Molecular consequence: missense variant. On other transcripts: non-coding transcript variant (1).
Genome position (GRCh38, 1-based): chr17:60,150,068, G>A. VCF-style: chr17-60150068-G-A. GRCh37 (hg19) VCF-style: chr17-58227429-G-A.
Other names: short protein forms A12T.
Identifiers: ClinVar variation 1061046 (VCV001061046.7), dbSNP rs1245199379, ClinGen allele CA400447781.

ClinVar aggregate classification (germline): Uncertain significance (1 of 4 stars; one submission).

Allele frequency attached by ClinVar (database versions not stated): gnomAD exomes below 0.00001; TOPMed below 0.00001; gnomAD 0.00001.
gnomAD v4.1: 5 of 1,600,284 alleles (0.00031%); highest among the groups gnomAD compares: Non-Finnish European, 0.00042%; no homozygotes.

Submission:

Labcorp Genetics (formerly Invitae), Labcorp
Classification: Uncertain significance. Last evaluated: 2025-07-31. Review status: criteria provided, single submitter. Criteria: Invitae Variant Classification Sherloc (09022015). Collection method: clinical testing. Allele origin: germline.
Comment: This sequence change replaces alanine, which is neutral and non-polar, with threonine, which is neutral and polar, at codon 12 of the CA4 protein (p.Ala12Thr). The frequency data for this variant in the population databases is considered unreliable, as metrics indicate poor data quality at this position in the gnomAD database. This missense change has been observed in individual(s) with retinitis pigmentosa (PMID: 20450258). In at least one individual the variant was observed to be de novo. ClinVar contains an entry for this variant (Variation ID: 1061046). An algorithm developed to predict the effect of missense changes on protein structure and function outputs the following: PolyPhen-2: "Benign". The threonine amino acid residue is found in multiple mammalian species, which suggests that this missense change does not adversely affect protein function. Experimental studies have shown that this missense change does not substantially affect CA4 function (PMID: 20450258). In summary, the available evidence is currently insufficient to determine the role of this variant in disease. Therefore, it has been classified as a Variant of Uncertain Significance.

Literature cited by the submitters: PubMed 20450258.